The following is an entry in ClinVar:

ClinVar aggregate classification (germline): Benign. Review status: criteria provided, multiple submitters, no conflicts (2 of 4 stars). 8 submissions from 8 submitters: Benign (7). 1 of the submissions does not count toward it. Last evaluated 2026-02-04.

Conditions:
Carnitine palmitoyl transferase 1A deficiency. Also called: Carnitine palmitoyltransferase 1A deficiency; CPT deficiency, hepatic, type IA; Carnitine palmitoyltransferase type I deficiency; CPT I DEFICIENCY; CPT DEFICIENCY, HEPATIC, TYPE I. Identifiers: Orphanet 156, MedGen C1829703, MONDO:0009705, OMIM 255120.

Allele frequency attached by ClinVar (database versions not stated): ESP Exome Variant Server 0.01270; gnomAD 0.01623 and 0.01891; gnomAD exomes 0.01938 and 0.03261; TOPMed 0.02077; 1000 Genomes Project 30x 0.03576; ExAC 0.03740; 1000 Genomes Project 0.03774.
gnomAD v4.1: 31,521 of 1,607,360 alleles (2%); highest among the groups gnomAD compares: East Asian, 7.5%; 638 homozygotes.

Submissions (8):

Labcorp Genetics (formerly Invitae), Labcorp
Classification: Benign for Carnitine palmitoyl transferase 1A deficiency. Last evaluated: 2026-02-04. Review status: criteria provided, single submitter. Criteria: Invitae Variant Classification Sherloc (09022015). Collection method: clinical testing. Allele origin: germline.

Blueprint Genetics
Classification: Benign. Last evaluated: 2024-11-27. Review status: criteria provided, single submitter. Criteria: ACMG Guidelines, 2015. Collection method: clinical testing. Allele origin: germline.

Genome-Nilou Lab
Classification: Benign for Carnitine palmitoyl transferase 1A deficiency. Last evaluated: 2021-05-18. Review status: criteria provided, single submitter. Criteria: ACMG Guidelines, 2015. Collection method: clinical testing. Allele origin: germline. Affected: no.

Mayo Clinic Laboratories, Mayo Clinic
Classification: Benign. Last evaluated: 2021-04-07. Review status: criteria provided, single submitter. Criteria: ACMG Guidelines, 2015. Collection method: clinical testing. Allele origin: germline. Observed: 6 variant alleles.

Eurofins Ntd Llc (ga)
Classification: Benign. Last evaluated: 2016-01-15. Review status: criteria provided, single submitter. Criteria: EGL Classification Definitions 2015. Collection method: clinical testing. Allele origin: germline. Observed: 9 variant alleles, 8 heterozygotes, 1 homozygote.

GeneDx
Classification: Benign. Last evaluated: 2014-07-17. Review status: criteria provided, single submitter. Criteria: GeneDx Variant Classification (06012015). Collection method: clinical testing. Allele origin: germline. Affected: yes.
Comment: This variant is considered likely benign or benign based on one or more of the following criteria: it is a conservative change, it occurs at a poorly conserved position in the protein, it is predicted to be benign by multiple in silico algorithms, and/or has population frequency not consistent with disease.

Breakthrough Genomics
Classification: Benign. Review status: criteria provided, single submitter. Criteria: ACMG Guidelines, 2015. Collection method: not provided. Allele origin: germline. Inheritance: Autosomal recessive inheritance. Affected: yes.

Natera, Inc.
Classification: Benign for Carnitine palmitoyltransferase type I deficiency. Last evaluated: 2020-09-16. Review status: no assertion criteria provided. Collection method: clinical testing. Allele origin: germline. Not counted in ClinVar's aggregate classification.

NM_001876.4(CPT1A):c.967+3G>A

Gene: CPT1A (carnitine palmitoyltransferase 1A; minus strand). Cytogenetic location: 11q13.3.
Variant type: single nucleotide variant.
Coding change: c.967+3G>A on transcript NM_001876.4 (MANE Select); 3 bases into the intron after coding-DNA position 967, G replaced by A.
Molecular consequence: intron variant.
Genome position (GRCh38, 1-based): chr11:68,793,312, C>T on the plus strand (G>A on the coding strand, the complement: CPT1A is on the minus strand). VCF-style: chr11-68793312-C-T. GRCh37 (hg19) VCF-style: chr11-68560780-C-T.
Other names: p.?; c.967+3G>A (NM_001031847.3).
Identifiers: ClinVar variation 93978 (VCV000093978.21), dbSNP rs75677837, ClinGen allele CA285506.